The following is an entry in ClinVar:

ClinVar aggregate classification (germline): Benign. Review status: criteria provided, multiple submitters, no conflicts (2 of 4 stars). 12 submissions from 11 submitters: Benign (9). 3 of the submissions do not count toward it. Last evaluated 2026-02-04.

Conditions:
Inborn genetic diseases. Identifiers: MedGen C0950123, MeSH D030342.
Intellectual developmental disorder, autosomal dominant 6, with or without seizures. Also called: Intellectual disability, autosomal dominant 6; GRIN2B-related developmental delay, intellectual disability and autism spectrum disorder. Identifiers: Orphanet 589547, MedGen C3151411, MONDO:0013509, OMIM 613970.
Developmental and epileptic encephalopathy, 27 (DEE27). Also called: Epileptic encephalopathy, early infantile, 27; GRIN2B-Related Neurodevelopmental Disorder. Identifiers: Orphanet 3451, MedGen C4015316, MONDO:0014505, OMIM 616139.

Allele frequency attached by ClinVar (database versions not stated): TOPMed 0.41773; gnomAD 0.41972; ESP Exome Variant Server 0.43103; 1000 Genomes Project 0.44149; 1000 Genomes Project 30x 0.44207.
gnomAD v4.1: 660,033 of 1,612,878 alleles (41%); highest among the groups gnomAD compares: South Asian, 49%; 136,826 homozygotes.

Submissions (12):

Labcorp Genetics (formerly Invitae), Labcorp
Classification: Benign for Developmental and epileptic encephalopathy, 27; Intellectual developmental disorder, autosomal dominant 6, with or without seizures. Last evaluated: 2026-02-04. Review status: criteria provided, single submitter. Criteria: Invitae Variant Classification Sherloc (09022015). Collection method: clinical testing. Allele origin: germline.

Unidad de Genómica Garrahan, Hospital de Pediatría Garrahan
Classification: Benign. Last evaluated: 2024-07-15. Review status: criteria provided, single submitter. Criteria: ACMG Guidelines, 2015. Collection method: clinical testing. Allele origin: germline. Affected: no. Observed: 41 variant alleles.
Comment: This variant is classified as Benign based on local population frequency. This variant was detected in 44% of patients studied in a panel designed for Epileptic and Developmental Encephalopathy and Progressive Myoclonus Epilepsy. Number of patients: 41. Only high quality variants are reported.

Genome-Nilou Lab
Classification: Benign for Developmental and epileptic encephalopathy, 27. Last evaluated: 2021-08-10. Review status: criteria provided, single submitter. Criteria: ACMG Guidelines, 2015. Collection method: clinical testing. Allele origin: germline. Affected: no.

Genome-Nilou Lab
Classification: Benign for Intellectual developmental disorder, autosomal dominant 6, with or without seizures. Last evaluated: 2021-08-10. Review status: criteria provided, single submitter. Criteria: ACMG Guidelines, 2015. Collection method: clinical testing. Allele origin: germline. Affected: no.

Mayo Clinic Laboratories, Mayo Clinic
Classification: Benign. Last evaluated: 2018-07-30. Review status: criteria provided, single submitter. Criteria: ACMG Guidelines, 2015. Collection method: clinical testing. Allele origin: germline. Observed: 338 variant alleles.

Eurofins Ntd Llc (ga)
Classification: Benign. Last evaluated: 2017-06-07. Review status: criteria provided, single submitter. Criteria: EGL Classification Definitions 2015. Collection method: clinical testing. Allele origin: germline. Observed: 1 variant allele, 1 heterozygote.

Ambry Genetics
Classification: Benign for Inborn genetic diseases. Last evaluated: 2016-01-08. Review status: criteria provided, single submitter. Criteria: Ambry Variant Classification Scheme 2023. Collection method: clinical testing. Allele origin: germline.

GeneDx
Classification: Benign. Last evaluated: 2013-10-24. Review status: criteria provided, single submitter. Criteria: GeneDx Variant Classification (06012015). Collection method: clinical testing. Allele origin: germline. Affected: yes.
Comment: This variant is considered likely benign or benign based on one or more of the following criteria: it is a conservative change, it occurs at a poorly conserved position in the protein, it is predicted to be benign by multiple in silico algorithms, and/or has population frequency not consistent with disease.

Breakthrough Genomics
Classification: Benign. Review status: criteria provided, single submitter. Criteria: ACMG Guidelines, 2015. Collection method: not provided. Allele origin: germline. Inheritance: Autosomal dominant inheritance. Affected: yes.

Diagnostic Laboratory, Department of Genetics, University Medical Center Groningen
Classification: Benign. Review status: no assertion criteria provided. Collection method: clinical testing. Allele origin: germline. Affected: yes. Study: VKGL Data-share Consensus. Not counted in ClinVar's aggregate classification.

Genetic Services Laboratory, University of Chicago
Classification: Likely benign for AllHighlyPenetrant. Review status: no assertion criteria provided. Collection method: clinical testing. Allele origin: germline. Inheritance: Autosomal dominant inheritance. Not counted in ClinVar's aggregate classification.
Comment: Likely benign based on allele frequency in 1000 Genomes Project or ESP global frequency and its presence in a patient with a rare or unrelated disease phenotype. NOT Sanger confirmed.

Joint Genome Diagnostic Labs from Nijmegen and Maastricht, Radboudumc and MUMC+
Classification: Benign. Review status: no assertion criteria provided. Collection method: clinical testing. Allele origin: germline. Affected: yes. Study: VKGL Data-share Consensus. Not counted in ClinVar's aggregate classification.

NM_000834.5(GRIN2B):c.366C>G (p.Pro122=)

Gene: GRIN2B (glutamate ionotropic receptor NMDA type subunit 2B; minus strand). Cytogenetic location: 12p13.1.
Variant type: single nucleotide variant.
Coding change: c.366C>G on transcript NM_000834.5 (MANE Select); coding-DNA position 366, C replaced by G.
Protein change: p.Pro122=; no amino-acid change (proline 122 retained).
Molecular consequence: synonymous variant.
Genome position (GRCh38, 1-based): chr12:13,865,843, G>C on the plus strand (C>G on the coding strand, the complement: GRIN2B is on the minus strand). VCF-style: chr12-13865843-G-C. GRCh37 (hg19) VCF-style: chr12-14018777-G-C.
Other names: p.P122P:CCC>CCG; p.Pro122=.
Identifiers: ClinVar variation 129205 (VCV000129205.32), dbSNP rs7301328, ClinGen allele CA288904.